The following is an entry in ClinVar:

ClinVar aggregate classification (germline): Uncertain significance (1 of 4 stars; one submission).

Conditions:
Kostmann syndrome (SCN3). Also called: KOSTMANN DISEASE; Autosomal recessive severe congenital neutropenia type 3. Identifiers: Orphanet 99749, MedGen C5235141, MONDO:0012548, OMIM 610738.

Allele frequency attached by ClinVar (database versions not stated): TOPMed below 0.00001.

Submission:

Labcorp Genetics (formerly Invitae), Labcorp
Classification: Uncertain significance for Kostmann syndrome. Last evaluated: 2022-07-19. Review status: criteria provided, single submitter. Criteria: Invitae Variant Classification Sherloc (09022015). Collection method: clinical testing. Allele origin: germline.
Comment: In summary, the available evidence is currently insufficient to determine the role of this variant in disease. Therefore, it has been classified as a Variant of Uncertain Significance. Algorithms developed to predict the effect of missense changes on protein structure and function are either unavailable or do not agree on the potential impact of this missense change (SIFT: "Tolerated"; PolyPhen-2: "Possibly Damaging"; Align-GVGD: "Class C0"). This variant has not been reported in the literature in individuals affected with HAX1-related conditions. This variant is not present in population databases (gnomAD no frequency). This sequence change replaces aspartic acid, which is acidic and polar, with asparagine, which is neutral and polar, at codon 77 of the HAX1 protein (p.Asp77Asn).

NM_006118.4(HAX1):c.229G>A (p.Asp77Asn)

Gene: HAX1 (HCLS1 associated protein X-1; plus strand). Cytogenetic location: 1q21.3.
Variant type: single nucleotide variant.
Coding change: c.229G>A on transcript NM_006118.4 (MANE Select); coding-DNA position 229, G replaced by A.
Protein change: p.Asp77Asn; replaces aspartic acid 77 with asparagine.
Molecular consequence: missense variant.
Genome position (GRCh38, 1-based): chr1:154,273,511, G>A. VCF-style: chr1-154273511-G-A. GRCh37 (hg19) VCF-style: chr1-154245987-G-A.
Other names: c.85G>A, p.Asp29Asn (NM_001018837.2); short protein forms D29N, D77N.
Identifiers: ClinVar variation 2197616 (VCV002197616.4), dbSNP rs1684867576, ClinGen allele CA342591565.